The following is an entry in ClinVar:

NM_001267550.2(TTN):c.61892A>G (p.Asn20631Ser)

Genes: TTN (titin; minus strand), TTN-AS1 (TTN antisense RNA 1; plus strand). Cytogenetic location: 2q31.2.
Variant type: single nucleotide variant.
Coding change: c.61892A>G on transcript NM_001267550.2 (MANE Select); coding-DNA position 61892, A replaced by G.
Protein change: p.Asn20631Ser; replaces asparagine 20631 with serine.
Molecular consequence: missense variant.
Genome position (GRCh38, 1-based): chr2:178,589,833, T>C on the plus strand (A>G on the coding strand, the complement: TTN is on the minus strand). VCF-style: chr2-178589833-T-C. GRCh37 (hg19) VCF-style: chr2-179454560-T-C.
Other names: c.56969A>G, p.Asn18990Ser (NM_001256850.1); c.34697A>G, p.Asn11566Ser (NM_003319.4); c.54188A>G, p.Asn18063Ser (NM_133378.4); c.35072A>G, p.Asn11691Ser (NM_133432.3); c.35273A>G, p.Asn11758Ser (NM_133437.4); short protein forms N11566S, N11691S, N11758S, N18063S, N18990S, N20631S.
Identifiers: ClinVar variation 2634227 (VCV002634227.1), dbSNP rs2049834334, ClinGen allele CA349467977.

ClinVar aggregate classification (germline): Uncertain significance (1 of 4 stars; one submission).

Conditions:
TTN-related disorder. Also called: TTN-related condition; TTN-related disease; TTN-related disorders.

Allele frequency attached by ClinVar (database versions not stated): TOPMed 0.00001.
gnomAD v4.1: 1 of 1,613,544 alleles (0.000062%); no homozygotes.

Submission:

PreventionGenetics, part of Exact Sciences
Classification: Uncertain significance for TTN-related condition. Last evaluated: 2022-12-08. Review status: criteria provided, single submitter. Criteria: ACMG Guidelines, 2015. Collection method: clinical testing. Allele origin: germline.
Comment: The TTN c.61892A>G variant is predicted to result in the amino acid substitution p.Asn20631Ser. To our knowledge, this variant has not been reported in the literature or in a large population database, indicating this variant is rare. At this time, the clinical significance of this variant is uncertain due to the absence of conclusive functional and genetic evidence.